The following is an entry in ClinVar:

ClinVar aggregate classification (germline): Pathogenic (1 of 4 stars; one submission).

Conditions:
D-2-hydroxyglutaric aciduria 1 (D2HGA1). Identifiers: Orphanet 79315, MedGen C3152055, MONDO:0024554, OMIM 600721.

gnomAD v4.1: 3 of 1,527,540 alleles (0.0002%); highest among the groups gnomAD compares: Middle Eastern, 0.022%; no homozygotes.

Submission:

Victorian Clinical Genetics Services, Murdoch Childrens Research Institute
Classification: Pathogenic for D-2-hydroxyglutaric aciduria 1. Last evaluated: 2020-06-11. Review status: criteria provided, single submitter. Criteria: ACMG Guidelines, 2015. Collection method: clinical testing. Allele origin: germline. Inheritance: Autosomal recessive inheritance. Affected: yes.
Comment: Based on the classification scheme VCGS_Germline_v1.1.1, this variant is classified as Pathogenic. Following criteria are met: 0102 - Loss-of-function is a known mechanism of disease for this gene. (N) 0106 - This gene is known to be associated with autosomal recessive disease. (N) 0202 - Variant is predicted to cause nonsense-mediated decay (NMD) and loss of protein but is located in an exon that may undergo alternative splicing (exon 2 of 10). (P) 0251 - Variant is heterozygous. (N) 0301 - Variant is absent from gnomAD. (P) 0402 - Variant is located in a gene associated with a severe early onset recessive condition that is intolerant to bi-allelic loss-of-function variants. (P) 0702 - Comparable variants have strong previous evidence for pathogenicity. Other variants predicted to cause NMD have been reported as pathogenic in individuals with this D-2-hydroxyglutaric aciduria (ClinVar, PMID: 20020533, 21384162). (P) 0807 - Variant has not previously been reported in a clinical context. (N) 0905 - No segregation evidence has been identified for this variant. (N) 1007 - No published functional evidence has been identified for this variant. (N) Legend: (P) - Pathogenic, (N) - Neutral, (B) - Benign

Literature cited by the submitters: PubMed 20020533; PubMed 21384162.

NM_152783.5(D2HGDH):c.71G>A (p.Trp24Ter)

Genes: D2HGDH (D-2-hydroxyglutarate dehydrogenase; plus strand), LOC129936031 (ATAC-STARR-seq lymphoblastoid silent region 12558; plus strand). Cytogenetic location: 2q37.3.
Variant type: single nucleotide variant.
Coding change: c.71G>A on transcript NM_152783.5 (MANE Select); coding-DNA position 71, G replaced by A.
Protein change: p.Trp24Ter; replaces tryptophan 24 with a stop codon.
Molecular consequence: nonsense. On other transcripts: 5 prime UTR variant (1), non-coding transcript variant (1), intron variant (1).
Genome position (GRCh38, 1-based): chr2:241,735,295, G>A. VCF-style: chr2-241735295-G-A. GRCh37 (hg19) VCF-style: chr2-242674710-G-A.
Other names: c.-474G>A (NM_001352824.2); c.-111+600G>A (NM_001287249.2); short protein forms W24*.
Identifiers: ClinVar variation 1805533 (VCV001805533.1), dbSNP rs1692452859, ClinGen allele CA351404310.